The following is an entry in ClinVar:

ClinVar aggregate classification (germline): Uncertain significance (1 of 4 stars; one submission).

Conditions:
Inborn genetic diseases. Identifiers: MedGen C0950123, MeSH D030342.

gnomAD v4.1: 2 of 1,599,644 alleles (0.00013%); highest among the groups gnomAD compares: Non-Finnish European, 0.00017%; no homozygotes.

Submission:

Ambry Genetics
Classification: Uncertain significance for Inborn genetic diseases. Last evaluated: 2024-11-13. Review status: criteria provided, single submitter. Criteria: Ambry Variant Classification Scheme 2023. Collection method: clinical testing. Allele origin: germline.
Comment: The p.R478G variant (also known as c.1432C>G), located in coding exon 4 of the SMAD6 gene, results from a C to G substitution at nucleotide position 1432. The arginine at codon 478 is replaced by glycine, an amino acid with dissimilar properties. This amino acid position is conserved. In addition, this alteration is predicted to be deleterious by in silico analysis. Based on the available evidence, the clinical significance of this variant remains unclear.

NM_005585.5(SMAD6):c.1432C>G (p.Arg478Gly)

Gene: SMAD6 (SMAD family member 6; plus strand). Cytogenetic location: 15q22.31.
Variant type: single nucleotide variant.
Coding change: c.1432C>G on transcript NM_005585.5 (MANE Select); coding-DNA position 1432, C replaced by G.
Protein change: p.Arg478Gly; replaces arginine 478 with glycine.
Molecular consequence: missense variant. On other transcripts: non-coding transcript variant (1).
Genome position (GRCh38, 1-based): chr15:66,781,476, C>G. VCF-style: chr15-66781476-C-G. GRCh37 (hg19) VCF-style: chr15-67073814-C-G.
Other names: short protein forms R478G.
Identifiers: ClinVar variation 3445908 (VCV003445908.1).